The following is an entry in ClinVar:

NM_016341.4(PLCE1):c.5778C>T (p.Phe1926=)

Gene: PLCE1 (phospholipase C epsilon 1; plus strand). Cytogenetic location: 10q23.33.
Variant type: single nucleotide variant.
Coding change: c.5778C>T on transcript NM_016341.4 (MANE Select); coding-DNA position 5778, C replaced by T.
Protein change: p.Phe1926=; no amino-acid change (phenylalanine 1926 retained).
Molecular consequence: synonymous variant.
Genome position (GRCh38, 1-based): chr10:94,306,582, C>T. VCF-style: chr10-94306582-C-T. GRCh37 (hg19) VCF-style: chr10-96066339-C-T.
Other names: c.4854C>T, p.Phe1618= (NM_001165979.2); c.5730C>T, p.Phe1910= (NM_001288989.2).
Identifiers: ClinVar variation 726974 (VCV000726974.14), dbSNP rs78828338, ClinGen allele CA5613419.

ClinVar aggregate classification (germline): Conflicting classifications of pathogenicity. Review status: criteria provided, conflicting classifications (1 of 4 stars). 4 submissions from 4 submitters: Uncertain significance (1); Benign (1); Likely benign (1). 1 of the submissions does not count toward it. Last evaluated 2025-11-09.

Conditions:
PLCE1-related disorder. Also called: PLCE1-related condition.
Nephrotic syndrome, type 3 (NPHS3). Also called: NEPHROTIC SYNDROME, EARLY-ONSET, TYPE 3. Identifiers: Orphanet 656, MedGen C1853124, MONDO:0012546, OMIM 610725.

Allele frequency attached by ClinVar (database versions not stated): gnomAD 0.00012 and 0.00029; TOPMed 0.00015; gnomAD exomes 0.00018 and 0.00050; ExAC 0.00021; 1000 Genomes Project 30x 0.00141; 1000 Genomes Project 0.00160.
gnomAD v4.1: 796 of 1,614,082 alleles (0.049%); highest among the groups gnomAD compares: East Asian, 1.6%; 15 homozygotes.

Submissions (4):

Labcorp Genetics (formerly Invitae), Labcorp
Classification: Benign. Last evaluated: 2025-11-09. Review status: criteria provided, single submitter. Criteria: Invitae Variant Classification Sherloc (09022015). Collection method: clinical testing. Allele origin: germline.

Blueprint Genetics
Classification: Likely benign. Last evaluated: 2024-11-26. Review status: criteria provided, single submitter. Criteria: ACMG Guidelines, 2015. Collection method: clinical testing. Allele origin: germline.

Illumina Laboratory Services, Illumina
Classification: Uncertain significance for Nephrotic syndrome, type 3. Last evaluated: 2018-01-12. Review status: criteria provided, single submitter. Criteria: ICSL Variant Classification Criteria 13 December 2019. Collection method: clinical testing. Allele origin: germline.

PreventionGenetics, part of Exact Sciences
Classification: Likely benign for PLCE1-related condition. Last evaluated: 2019-08-01. Review status: no assertion criteria provided. Collection method: clinical testing. Allele origin: germline. Not counted in ClinVar's aggregate classification.
Comment: This variant is classified as likely benign based on ACMG/AMP sequence variant interpretation guidelines (Richards et al. 2015 PMID: 25741868, with internal and published modifications).